The following is an entry in ClinVar:

ClinVar aggregate classification (germline): Uncertain significance (1 of 4 stars; one submission).

Conditions:
ANKRD17-related disorder. Also called: ANKRD17-related condition.

gnomAD v4.1: 2 of 1,614,228 alleles (0.00012%); highest among the groups gnomAD compares: Non-Finnish European, 0.00017%; no homozygotes.

Submission:

PreventionGenetics, part of Exact Sciences
Classification: Uncertain significance for ANKRD17-related condition. Last evaluated: 2022-08-19. Review status: criteria provided, single submitter. Criteria: ACMG Guidelines, 2015. Collection method: clinical testing. Allele origin: germline.
Comment: The ANKRD17 c.2791C>A variant is predicted to result in the amino acid substitution p.Gln931Lys. To our knowledge, this variant has not been reported in the literature or in a large population database, indicating this variant is rare. At this time, the clinical significance of this variant is uncertain due to the absence of conclusive functional and genetic evidence.

NM_032217.5(ANKRD17):c.2791C>A (p.Gln931Lys)

Gene: ANKRD17 (ankyrin repeat domain 17; minus strand). Cytogenetic location: 4q13.3.
Variant type: single nucleotide variant.
Coding change: c.2791C>A on transcript NM_032217.5 (MANE Select); coding-DNA position 2791, C replaced by A.
Protein change: p.Gln931Lys; replaces glutamine 931 with lysine.
Molecular consequence: missense variant. On other transcripts: intron variant (1).
Genome position (GRCh38, 1-based): chr4:73,139,825, G>T on the plus strand (C>A on the coding strand, the complement: ANKRD17 is on the minus strand). VCF-style: chr4-73139825-G-T. GRCh37 (hg19) VCF-style: chr4-74005542-G-T.
Other names: c.2452C>A, p.Gln818Lys (NM_001286771.3); c.2791C>A, p.Gln931Lys (NM_015574.2); c.2332+1916C>A (NM_198889.3); short protein forms Q818K, Q931K.
Identifiers: ClinVar variation 2629198 (VCV002629198.1), dbSNP rs1054818093, ClinGen allele CA99675423.